The following is an entry in ClinVar:

NM_000530.8(MPZ):c.332C>G (p.Ser111Cys)

Gene: MPZ (myelin protein zero; minus strand). Cytogenetic location: 1q23.3.
Variant type: single nucleotide variant.
Coding change: c.332C>G on transcript NM_000530.8 (MANE Select); coding-DNA position 332, C replaced by G.
Protein change: p.Ser111Cys; replaces serine 111 with cysteine.
Molecular consequence: missense variant.
Genome position (GRCh38, 1-based): chr1:161,306,824, G>C on the plus strand (C>G on the coding strand, the complement: MPZ is on the minus strand). VCF-style: chr1-161306824-G-C. GRCh37 (hg19) VCF-style: chr1-161276614-G-C.
Other names: c.332C>G, p.Ser111Cys (NM_001315491.2); c.332C>G (LRG_256t1); short protein forms S111C.
Identifiers: ClinVar variation 449538 (VCV000449538.10), dbSNP rs1553259663, ClinGen allele CA343349293.

ClinVar aggregate classification (germline): Likely pathogenic. Review status: criteria provided, multiple submitters, no conflicts (2 of 4 stars). 3 submissions from 3 submitters: Likely pathogenic (2). 1 of the submissions does not count toward it. Last evaluated 2025-02-19.

Conditions:
Charcot-Marie-Tooth disease. Also called: Charcot-Marie-Tooth Neuropathy; Charcot-Marie-Tooth Hereditary Neuropathy. Identifiers: Orphanet 166, MedGen C0007959, MONDO:0015626.
Charcot-Marie-Tooth disease, type I (CMT1). Also called: Charcot-Marie-Tooth, Type 1; Charcot-Marie-Tooth disease type 1. Identifiers: Orphanet 65753, MedGen C0751036, MONDO:0019011.

Submissions (3):

Labcorp Genetics (formerly Invitae), Labcorp
Classification: Likely pathogenic for Charcot-Marie-Tooth disease, type I. Last evaluated: 2025-02-19. Review status: criteria provided, single submitter. Criteria: Invitae Variant Classification Sherloc (09022015). Collection method: clinical testing. Allele origin: germline.
Comment: This sequence change replaces serine, which is neutral and polar, with cysteine, which is neutral and slightly polar, at codon 111 of the MPZ protein (p.Ser111Cys). This variant is not present in population databases (gnomAD no frequency). This missense change has been observed in individuals with Charcot-Marie-Tooth disease (PMID: 19293842; internal data). ClinVar contains an entry for this variant (Variation ID: 449538). Invitae Evidence Modeling of protein sequence and biophysical properties (such as structural, functional, and spatial information, amino acid conservation, physicochemical variation, residue mobility, and thermodynamic stability) indicates that this missense variant is expected to disrupt MPZ protein function with a positive predictive value of 80%. Experimental studies have shown that this missense change affects MPZ function (PMID: 29687021). This variant disrupts the p.Ser111 amino acid residue in MPZ. Other variant(s) that disrupt this residue have been determined to be pathogenic (PMID: 22176150). This suggests that this residue is clinically significant, and that variants that disrupt this residue are likely to be disease-causing. In summary, the currently available evidence indicates that the variant is pathogenic, but additional data are needed to prove that conclusively. Therefore, this variant has been classified as Likely Pathogenic.

GeneDx
Classification: Likely pathogenic. Last evaluated: 2017-08-10. Review status: criteria provided, single submitter. Criteria: GeneDx Variant Classification (06012015). Collection method: clinical testing. Allele origin: germline. Affected: yes.
Comment: A variant that is likely pathogenic has been identified in the MPZ gene. The S111C variant has been previously reported in several individuals with a clinical diagnosis of CMT (Mandich et al., 2009, Manganelli et al., 2014, Sanmaneechai et al., 2015). The S111C variant is not observed in large population cohorts (Lek et al., 2016; 1000 Genomes Consortium et al., 2015; Exome Variant Server). The S111C variant is a non-conservative amino acid substitution, which is likely to impact secondary protein structure as these residues differ in polarity, charge, size and/or other properties. This substitution occurs at a position that is conserved across species, and in silico analysis predicts this variant is probably damaging to the protein structure/function. Additionally, missense variants at the same (S111P) and in nearby residues (D109N/E, G110D, I112T) have been reported in Human Gene Mutation Database in association with MPZ-related neuropathies (Stenson et al., 2014), supporting the functional importance of this region of the protein. Therefore, this variant is likely pathogenic; however, the possibility that it is benign cannot be excluded.

Inherited Neuropathy Consortium
Classification: Uncertain significance for Charcot-Marie-Tooth disease. Review status: no assertion criteria provided. Collection method: literature only. Allele origin: germline. Affected: yes. Not counted in ClinVar's aggregate classification.

Literature cited by the submitters: PubMed 19293842 (cited by Labcorp Genetics (formerly Invitae), Labcorp and Inherited Neuropathy Consortium); PubMed 29687021 (cited by Labcorp Genetics (formerly Invitae), Labcorp); PubMed 22176150 (cited by Labcorp Genetics (formerly Invitae), Labcorp).